The following is an entry in ClinVar:

NM_001184.4(ATR):c.806T>G (p.Phe269Cys)

Gene: ATR (ATR checkpoint kinase; minus strand). Cytogenetic location: 3q23.
Variant type: single nucleotide variant.
Coding change: c.806T>G on transcript NM_001184.4 (MANE Select); coding-DNA position 806, T replaced by G.
Protein change: p.Phe269Cys; replaces phenylalanine 269 with cysteine.
Molecular consequence: missense variant.
Genome position (GRCh38, 1-based): chr3:142,562,596, A>C on the plus strand (T>G on the coding strand, the complement: ATR is on the minus strand). VCF-style: chr3-142562596-A-C. GRCh37 (hg19) VCF-style: chr3-142281438-A-C.
Other names: c.806T>G, p.Phe269Cys (NM_001354579.2); short protein forms F269C.
Identifiers: ClinVar variation 1445324 (VCV001445324.6), dbSNP rs1379595419, ClinGen allele CA354825451.

ClinVar aggregate classification (germline): Uncertain significance (1 of 4 stars; one submission).

Submission:

Labcorp Genetics (formerly Invitae), Labcorp
Classification: Uncertain significance. Last evaluated: 2022-07-19. Review status: criteria provided, single submitter. Criteria: Invitae Variant Classification Sherloc (09022015). Collection method: clinical testing. Allele origin: germline.
Comment: This sequence change replaces phenylalanine, which is neutral and non-polar, with cysteine, which is neutral and slightly polar, at codon 269 of the ATR protein (p.Phe269Cys). In summary, the available evidence is currently insufficient to determine the role of this variant in disease. Therefore, it has been classified as a Variant of Uncertain Significance. Algorithms developed to predict the effect of missense changes on protein structure and function are either unavailable or do not agree on the potential impact of this missense change (SIFT: "Deleterious"; PolyPhen-2: "Probably Damaging"; Align-GVGD: "Class C0"). ClinVar contains an entry for this variant (Variation ID: 1445324). This variant has not been reported in the literature in individuals affected with ATR-related conditions. This variant is not present in population databases (gnomAD no frequency).